The following is an entry in ClinVar:

ClinVar aggregate classification (germline): Uncertain significance. Review status: criteria provided, multiple submitters, no conflicts (2 of 4 stars). 2 submissions from 2 submitters: Uncertain significance (2). Last evaluated 2026-03-26.

Conditions:
Inborn genetic diseases. Identifiers: MedGen C0950123, MeSH D030342.

Allele frequency attached by ClinVar (database versions not stated): gnomAD exomes below 0.00001.
gnomAD v4.1: 2 of 1,612,678 alleles (0.00012%); highest among the groups gnomAD compares: Non-Finnish European, 0.000085%; no homozygotes.

Submissions (2):

Ambry Genetics
Classification: Uncertain significance for Inborn genetic diseases. Last evaluated: 2026-03-26. Review status: criteria provided, single submitter. Criteria: Ambry Variant Classification Scheme 2023. Collection method: clinical testing. Allele origin: germline.

Greenwood Genetic Center Diagnostic Laboratories, Greenwood Genetic Center
Classification: Uncertain significance. Last evaluated: 2023-03-07. Review status: criteria provided, single submitter. Criteria: ACMG Guidelines, 2015. Collection method: clinical testing. Allele origin: germline. Affected: yes.
Comment: PM2, PP3

NM_001122659.3(EDNRB):c.500G>C (p.Trp167Ser)

Genes: EDNRB (endothelin receptor type B; minus strand), EDNRB-AS1 (EDNRB antisense RNA 1; plus strand). Cytogenetic location: 13q22.3.
Variant type: single nucleotide variant.
Coding change: c.500G>C on transcript NM_001122659.3 (MANE Select); coding-DNA position 500, G replaced by C.
Protein change: p.Trp167Ser; replaces tryptophan 167 with serine.
Molecular consequence: missense variant.
Genome position (GRCh38, 1-based): chr13:77,903,591, C>G on the plus strand (G>C on the coding strand, the complement: EDNRB is on the minus strand). VCF-style: chr13-77903591-C-G. GRCh37 (hg19) VCF-style: chr13-78477726-C-G.
Other names: c.500G>C, p.Trp167Ser (NM_000115.5, NM_003991.4); c.770G>C, p.Trp257Ser (NM_001201397.2); c.500G>C (NM_000115.3); short protein forms W167S, W257S.
Identifiers: ClinVar variation 2505197 (VCV002505197.2), dbSNP rs2501550307, ClinGen allele CA388451700.
Genomic context (GRCh38, chr13:77,903,591, plus strand): 5'-ATTCCCACAGAGGCTTTCTGTATGAAAGGCACCAGCTTACACATCTCAGCTCCAAATGGC[C>G]AGTCCTCTGCCAGCAGCTGCATTGAGAAGACACGAAGCTCTGTTAGGGGGTTTCATAAGA-3'
Protein context (NP_001116131.1, residues 157-177): INVYKLLAED[Trp167Ser]PFGAEMCKLV